The following is an entry in ClinVar:

ClinVar aggregate classification (germline): Uncertain significance (1 of 4 stars; one submission).

Allele frequency attached by ClinVar (database versions not stated): gnomAD exomes below 0.00001.
gnomAD v4.1: 4 of 1,614,168 alleles (0.00025%); highest among the groups gnomAD compares: Non-Finnish European, 0.000085%; no homozygotes.

Submission:

Labcorp Genetics (formerly Invitae), Labcorp
Classification: Uncertain significance. Last evaluated: 2022-09-27. Review status: criteria provided, single submitter. Criteria: Invitae Variant Classification Sherloc (09022015). Collection method: clinical testing. Allele origin: germline.
Comment: This sequence change replaces valine, which is neutral and non-polar, with isoleucine, which is neutral and non-polar, at codon 3237 of the LRP2 protein (p.Val3237Ile). This variant is not present in population databases (gnomAD no frequency). This variant has not been reported in the literature in individuals affected with LRP2-related conditions. ClinVar contains an entry for this variant (Variation ID: 1489318). Advanced modeling of protein sequence and biophysical properties (such as structural, functional, and spatial information, amino acid conservation, physicochemical variation, residue mobility, and thermodynamic stability) performed at Invitae indicates that this missense variant is not expected to disrupt LRP2 protein function. In summary, the available evidence is currently insufficient to determine the role of this variant in disease. Therefore, it has been classified as a Variant of Uncertain Significance.

NM_004525.3(LRP2):c.9709G>A (p.Val3237Ile)

Gene: LRP2 (LDL receptor related protein 2; minus strand). Cytogenetic location: 2q31.1.
Variant type: single nucleotide variant.
Coding change: c.9709G>A on transcript NM_004525.3 (MANE Select); coding-DNA position 9709, G replaced by A.
Protein change: p.Val3237Ile; replaces valine 3237 with isoleucine.
Molecular consequence: missense variant.
Genome position (GRCh38, 1-based): chr2:169,185,639, C>T on the plus strand (G>A on the coding strand, the complement: LRP2 is on the minus strand). VCF-style: chr2-169185639-C-T. GRCh37 (hg19) VCF-style: chr2-170042149-C-T.
Other names: short protein forms V3237I.
Identifiers: ClinVar variation 1489318 (VCV001489318.3), dbSNP rs1037378752, ClinGen allele CA59916840.